The following is an entry in ClinVar:

NM_022168.4(IFIH1):c.274G>T (p.Ala92Ser)

Gene: IFIH1 (interferon induced with helicase C domain 1; minus strand). Cytogenetic location: 2q24.2.
Variant type: single nucleotide variant.
Coding change: c.274G>T on transcript NM_022168.4 (MANE Select); coding-DNA position 274, G replaced by T.
Protein change: p.Ala92Ser; replaces alanine 92 with serine.
Molecular consequence: missense variant.
Genome position (GRCh38, 1-based): chr2:162,318,034, C>A on the plus strand (G>T on the coding strand, the complement: IFIH1 is on the minus strand). VCF-style: chr2-162318034-C-A. GRCh37 (hg19) VCF-style: chr2-163174544-C-A.
Other names: short protein forms A92S.
Identifiers: ClinVar variation 3753264 (VCV003753264.4).

ClinVar aggregate classification (germline): Uncertain significance. Review status: criteria provided, multiple submitters, no conflicts (2 of 4 stars). 2 submissions from 2 submitters: Uncertain significance (2). Last evaluated 2026-03-04.

Conditions:
Aicardi-Goutieres syndrome 7 (AGS7). Identifiers: Orphanet 51, MedGen C3888244, MONDO:0014367, OMIM 615846.
Singleton-Merten syndrome 1 (SGMRT1). Also called: Widened medullary cavities of bone, aortic calcification, abnormal dentition, and muscular weakness; Syndrome of widened medullary cavities of the metacarpals and phalanges, aortic calcification and abnormal dentition. Identifiers: Orphanet 85191, MedGen C4225427, MONDO:0024535, OMIM 182250.

gnomAD v4.1: 2 of 1,614,158 alleles (0.00012%); highest among the groups gnomAD compares: Non-Finnish European, 0.000085%; no homozygotes.

Submissions (2):

Dasa
Classification: Uncertain significance. Last evaluated: 2026-03-04. Review status: criteria provided, single submitter. Criteria: DASA Assertion Criteria. Collection method: clinical testing. Allele origin: germline.
Comment: NM_022168.4(IFIH1):c.274G>T (p.Ala92Ser) is a missense variant that results in the substitution of alanine with serine. The affected residue or protein region has prior evidence supporting clinical relevance. This variant is rare in population databases. Computational prediction algorithms are consistent with a benign effect. The currently available literature and clinical evidence are not sufficient to establish a definitive association between this variant and the reported condition. Therefore, this variant is classified as a variant of uncertain significance.

Labcorp Genetics (formerly Invitae), Labcorp
Classification: Uncertain significance for Aicardi-Goutieres syndrome 7; Singleton-Merten syndrome 1. Last evaluated: 2024-09-10. Review status: criteria provided, single submitter. Criteria: Invitae Variant Classification Sherloc (09022015). Collection method: clinical testing. Allele origin: germline.
Comment: This sequence change replaces alanine, which is neutral and non-polar, with serine, which is neutral and polar, at codon 92 of the IFIH1 protein (p.Ala92Ser). This variant is not present in population databases (gnomAD no frequency). This variant has not been reported in the literature in individuals affected with IFIH1-related conditions. Invitae Evidence Modeling of protein sequence and biophysical properties (such as structural, functional, and spatial information, amino acid conservation, physicochemical variation, residue mobility, and thermodynamic stability) has been performed for this missense variant. However, the output from this modeling did not meet the statistical confidence thresholds required to predict the impact of this variant on IFIH1 protein function. In summary, the available evidence is currently insufficient to determine the role of this variant in disease. Therefore, it has been classified as a Variant of Uncertain Significance.